The following is an entry in ClinVar:

NM_020987.5(ANK3):c.1774_1775delinsAT (p.Asp592Ile)

Gene: ANK3 (ankyrin 3; minus strand). Cytogenetic location: 10q21.2.
Variant type: Indel.
Coding change: c.1774_1775delinsAT on transcript NM_020987.5 (MANE Select); coding-DNA positions 1774 to 1775, GA replaced by AT.
Protein change: p.Asp592Ile; replaces aspartic acid 592 with isoleucine.
Molecular consequence: missense variant.
Genome position (GRCh38, 1-based): chr10:60,196,540-60,196,541, TC replaced by AT on the plus strand (GA replaced by AT on the coding strand, the reverse complement: ANK3 is on the minus strand). VCF-style: chr10-60196540-TC-AT. GRCh37 (hg19) VCF-style: chr10-61956298-TC-AT.
Other names: c.1756_1757delinsAT, p.Asp586Ile (NM_001204403.2); c.1723_1724delinsAT, p.Asp575Ile (NM_001204404.2); c.1774_1775delinsAT, p.Asp592Ile (NM_001320874.2); short protein forms D575I, D586I, D592I.
Identifiers: ClinVar variation 2985752 (VCV002985752.3), dbSNP rs2493362980, ClinGen allele CA2740092998.
Genomic context (GRCh38, chr10:60,196,540, plus strand): 5'-TGTTATCGTGGAAGTGGCCTGCTTCAGGGTGGCTGGTGACCTCTTACCTTCCCAGCAGCA[TC>AT]TGGAGATGCACTTTTCTGTAGCAGGAGATTGGCGACTTCAAGCTTTCCATATTTTGCTGC-3'
Protein context (NP_066267.2, residues 582-602): NLLLQKSASP[Asp592Ile]AAGKSGLTPL

ClinVar aggregate classification (germline): Uncertain significance (1 of 4 stars; one submission).

Submission:

Labcorp Genetics (formerly Invitae), Labcorp
Classification: Uncertain significance. Last evaluated: 2023-02-16. Review status: criteria provided, single submitter. Criteria: Invitae Variant Classification Sherloc (09022015). Collection method: clinical testing. Allele origin: germline.
Comment: In summary, the available evidence is currently insufficient to determine the role of this variant in disease. Therefore, it has been classified as a Variant of Uncertain Significance. An algorithm developed to predict the effect of missense changes on protein structure and function (PolyPhen-2) suggests that this variant is likely to be disruptive. This variant has not been reported in the literature in individuals affected with ANK3-related conditions. Information on the frequency of this variant in the gnomAD database is not available, as this variant may be reported differently in the database. This sequence change replaces aspartic acid, which is acidic and polar, with isoleucine, which is neutral and non-polar, at codon 592 of the ANK3 protein (p.Asp592Ile).